The following is an entry in ClinVar:

ClinVar aggregate classification (germline): Uncertain significance (1 of 4 stars; one submission).

Conditions:
Alzheimer disease 4 (AD4). Identifiers: Orphanet 1020, MedGen C1847200, MONDO:0011743, OMIM 606889.

Submission:

Labcorp Genetics (formerly Invitae), Labcorp
Classification: Uncertain significance for Alzheimer disease 4. Last evaluated: 2025-05-06. Review status: criteria provided, single submitter. Criteria: Invitae Variant Classification Sherloc (09022015). Collection method: clinical testing. Allele origin: germline.
Comment: This sequence change replaces aspartic acid, which is acidic and polar, with asparagine, which is neutral and polar, at codon 127 of the PSEN2 protein (p.Asp127Asn). This variant is not present in population databases (gnomAD no frequency). This variant has not been reported in the literature in individuals affected with PSEN2-related conditions. Invitae Evidence Modeling of protein sequence and biophysical properties (such as structural, functional, and spatial information, amino acid conservation, physicochemical variation, residue mobility, and thermodynamic stability) indicates that this missense variant is not expected to disrupt PSEN2 protein function with a negative predictive value of 80%. In summary, the available evidence is currently insufficient to determine the role of this variant in disease. Therefore, it has been classified as a Variant of Uncertain Significance.

NM_000447.3(PSEN2):c.379G>A (p.Asp127Asn)

Gene: PSEN2 (presenilin 2; plus strand). Cytogenetic location: 1q42.13.
Variant type: single nucleotide variant.
Coding change: c.379G>A on transcript NM_000447.3 (MANE Select); coding-DNA position 379, G replaced by A.
Protein change: p.Asp127Asn; replaces aspartic acid 127 with asparagine.
Molecular consequence: missense variant.
Genome position (GRCh38, 1-based): chr1:226,885,560, G>A. VCF-style: chr1-226885560-G-A. GRCh37 (hg19) VCF-style: chr1-227073261-G-A.
Other names: c.379G>A, p.Asp127Asn (NM_001437537.1, NM_012486.3); short protein forms D127N.
Identifiers: ClinVar variation 4750340 (VCV004750340.1).